The following is an entry in ClinVar:

ClinVar aggregate classification (germline): Likely benign. Review status: criteria provided, single submitter (1 of 4 stars). 2 submissions from 2 submitters: Likely benign (1). 1 of the submissions does not count toward it. Last evaluated 2026-01-18.

Conditions:
NSMCE3-related disorder. Also called: NSMCE3-related condition.

Allele frequency attached by ClinVar (database versions not stated): gnomAD exomes 0.00014; gnomAD 0.00017 and 0.00018; ExAC 0.00018; ESP Exome Variant Server 0.00023.
gnomAD v4.1: 338 of 1,611,446 alleles (0.021%); highest among the groups gnomAD compares: South Asian, 0.042%; 1 homozygote.

Submissions (2):

Labcorp Genetics (formerly Invitae), Labcorp
Classification: Likely benign. Last evaluated: 2026-01-18. Review status: criteria provided, single submitter. Criteria: Invitae Variant Classification Sherloc (09022015). Collection method: clinical testing. Allele origin: germline.

PreventionGenetics, part of Exact Sciences
Classification: Likely benign for NSMCE3-related condition. Last evaluated: 2023-05-17. Review status: no assertion criteria provided. Collection method: clinical testing. Allele origin: germline. Not counted in ClinVar's aggregate classification.
Comment: This variant is classified as likely benign based on ACMG/AMP sequence variant interpretation guidelines (Richards et al. 2015 PMID: 25741868, with internal and published modifications).

NM_138704.4(NSMCE3):c.228C>G (p.Ala76=)

Genes: NSMCE3 (NSE3 component of SMC5/6 complex; minus strand), ENTREP2 (endosomal transmembrane epsin interactor 2; minus strand). Cytogenetic location: 15q13.1.
Variant type: single nucleotide variant.
Coding change: c.228C>G on transcript NM_138704.4 (MANE Select); coding-DNA position 228, C replaced by G.
Protein change: p.Ala76=; no amino-acid change (alanine 76 retained).
Molecular consequence: synonymous variant. On other transcripts: intron variant (5).
Genome position (GRCh38, 1-based): chr15:29,269,478, G>C on the plus strand (C>G on the coding strand, the complement: NSMCE3 is on the minus strand). VCF-style: chr15-29269478-G-C. GRCh37 (hg19) VCF-style: chr15-29561682-G-C.
Other names: c.-12-17000C>G (NM_001387217.1, NM_001387215.1, NM_001387216.1); c.277-17000C>G (NM_001387214.1, NM_015307.2).
Identifiers: ClinVar variation 1146465 (VCV001146465.11), dbSNP rs150410889, ClinGen allele CA7446190.
Genomic context (GRCh38, chr15:29,269,478, plus strand): 5'-CAAGAACTGCACCAGCTCGGACACTTTCAGCTCCAGCTGCTTCTGGCTCCTGGGCCCCAC[G>C]GCGGGGGCGGCCTGGGCCCGGCGGGCGCCCTGAGGCGAGGGGCCCTGCGACCCCTGCGAG-3'
Protein context (NP_619649.1, residues 66-86): QGARRAQAAP[Ala76=]VGPRSQKQLE